The following is an entry in ClinVar:

NM_001365276.2(TNXB):c.2419C>T (p.Gln807Ter)

Gene: TNXB (tenascin XB; minus strand). Cytogenetic location: 6p21.33.
Variant type: single nucleotide variant.
Coding change: c.2419C>T on transcript NM_001365276.2 (MANE Select); coding-DNA position 2419, C replaced by T.
Protein change: p.Gln807Ter; replaces glutamine 807 with a stop codon.
Molecular consequence: nonsense.
Genome position (GRCh38, 1-based): chr6:32,089,319, G>A on the plus strand (C>T on the coding strand, the complement: TNXB is on the minus strand). VCF-style: chr6-32089319-G-A. GRCh37 (hg19) VCF-style: chr6-32057096-G-A.
Other names: c.2419C>T, p.Gln807Ter (NM_001428335.1, NM_019105.8); short protein forms Q807*.
Identifiers: ClinVar variation 5002600 (VCV005002600.1).

ClinVar aggregate classification (germline): Likely pathogenic (1 of 4 stars; one submission).

Conditions:
TNXB-related disorder. Also called: TNXB-related condition.

Submission:

PreventionGenetics, part of Exact Sciences
Classification: Likely pathogenic for TNXB-related condition. Last evaluated: 2025-03-13. Review status: criteria provided, single submitter. Criteria: ACMG Guidelines, 2015. Collection method: clinical testing. Allele origin: germline.
Comment: The TNXB c.2419C>T variant is predicted to result in premature protein termination (p.Gln807*). To our knowledge, this variant has not been reported in the literature or in a large population database (gnomAD), indicating this variant is rare. Nonsense variants in TNXB are expected to be pathogenic. This variant is interpreted as likely pathogenic.